The following is an entry in ClinVar:

ClinVar aggregate classification (germline): Uncertain significance (1 of 4 stars; one submission).

Submission:

GeneDx
Classification: Uncertain significance. Last evaluated: 2020-03-09. Review status: criteria provided, single submitter. Criteria: GeneDx Variant Classification Process June 2021. Collection method: clinical testing. Allele origin: germline. Affected: yes.
Comment: Not observed in large population cohorts (Lek et al., 2016); In-frame deletion of 8 amino acids in a non-repeat region; In silico analysis supports a deleterious effect on protein structure/function; Has not been previously published as pathogenic or benign to our knowledge

NM_001080477.4(TENM3):c.5684_5707del (p.Pro1895_Met1902del)

Gene: TENM3 (teneurin transmembrane protein 3; plus strand). Cytogenetic location: 4q35.1.
Variant type: Deletion.
Coding change: c.5684_5707del on transcript NM_001080477.4 (MANE Select); coding-DNA positions 5684 to 5707, 24 bases deleted (CCAGTGTGGCTCGCCACACCATGC).
Protein change: p.Pro1895_Met1902del.
Molecular consequence: inframe deletion.
Genome position (GRCh38, 1-based): chr4:182,792,356-182,792,379, CCAGTGTGGCTCGCCACACCATGC deleted; deleting any 24 consecutive bases within chr4:182,792,348-182,792,379 gives the same sequence; the c. name uses the placement nearest the transcript's 3' end. VCF-style (leftmost placement, unchanged base first): chr4-182792347-TCACCATGCCCAGTGTGGCTCGCCA-T. GRCh37 (hg19) VCF-style: chr4-183713500-TCACCATGCCCAGTGTGGCTCGCCA-T.
Identifiers: ClinVar variation 1315085 (VCV001315085.2), dbSNP rs2152830071, ClinGen allele CA2573052320.
Genomic context (GRCh38, chr4:182,792,347, plus strand): 5'-TGCTTCATAGCCAGCGGCAGTACATCTTCGAATACGATATGTGGGACCGCCTGTCTGCCA[TCACCATGCCCAGTGTGGCTCGCCA>T]CACCATGCAGACCATCCGATCCATTGGCTACTACCGCAACATATACAACCCCCCGGAAAG-3'